The following is an entry in ClinVar:

ClinVar aggregate classification (germline): Likely pathogenic. Review status: criteria provided, single submitter (1 of 4 stars). 3 submissions from 2 submitters: Likely pathogenic (1). 2 of the submissions do not count toward it. Last evaluated 2024-03-17.

Conditions:
Autosomal recessive retinitis pigmentosa. Identifiers: MedGen C0339526.
Retinitis pigmentosa 26 (RP26). Identifiers: Orphanet 791, MedGen C1842127, MONDO:0012024, OMIM 608380.

Allele frequency attached by ClinVar (database versions not stated): gnomAD exomes below 0.00001.
gnomAD v4.1: 1 of 1,613,576 alleles (0.000062%); highest among the groups gnomAD compares: Non-Finnish European, 0.000085%; no homozygotes.

Submissions (3):

Genomic Medicine Center of Excellence, King Faisal Specialist Hospital and Research Centre
Classification: Likely pathogenic for Retinitis pigmentosa 26. Last evaluated: 2024-03-17. Review status: criteria provided, single submitter. Criteria: ACMG Guidelines, 2015. Collection method: research. Allele origin: germline.

Faculty of Health Sciences, Beirut Arab University
Classification: Pathogenic for Autosomal recessive Retinitis Pigmentosa. Last evaluated: 2015-09-10. Review status: no assertion criteria provided. Collection method: literature only. Allele origin: germline. Affected: yes. Observed: 1 variant allele. Not counted in ClinVar's aggregate classification.

Genomic Medicine Center of Excellence, King Faisal Specialist Hospital and Research Centre
Classification: Likely pathogenic. Review status: flagged submission. Criteria: ACMG Guidelines, 2015. Collection method: research. Allele origin: germline. Affected: yes. Not counted in ClinVar's aggregate classification.
ClinVar note: Reason: This record appears to be redundant with a more recent record from the same submitter.
ClinVar note: Notes: SCV000221524 appears to be redundant with SCV004805101.

Literature cited by the submitters: PubMed 26355662 (cited by Faculty of Health Sciences, Beirut Arab University).

NM_201548.5(CERKL):c.812T>C (p.Ile271Thr)

Gene: CERKL (CERK like autophagy regulator; minus strand). Cytogenetic location: 2q31.3.
Variant type: single nucleotide variant.
Coding change: c.812T>C on transcript NM_201548.5 (MANE Select); coding-DNA position 812, T replaced by C.
Protein change: p.Ile271Thr; replaces isoleucine 271 with threonine.
Molecular consequence: missense variant. On other transcripts: non-coding transcript variant (2), intron variant (2).
Genome position (GRCh38, 1-based): chr2:181,558,574, A>G on the plus strand (T>C on the coding strand, the complement: CERKL is on the minus strand). VCF-style: chr2-181558574-A-G. GRCh37 (hg19) VCF-style: chr2-182423301-A-G.
Other names: c.890T>C, p.Ile297Thr (NM_001030311.3); c.758T>C, p.Ile253Thr (NM_001160277.2); c.482-8866T>C (NM_001030312.3); c.614-8866T>C (NM_001030313.3); short protein forms I297T, I253T, I271T.
Identifiers: ClinVar variation 191145 (VCV000191145.4), dbSNP rs786205545, ClinGen allele CA236112.